The following is an entry in ClinVar:

NM_005120.3(MED12):c.6324G>A (p.Gln2108=)

Gene: MED12 (mediator complex subunit 12; plus strand). Cytogenetic location: Xq13.1.
Variant type: single nucleotide variant.
Coding change: c.6324G>A on transcript NM_005120.3 (MANE Select); coding-DNA position 6324, G replaced by A.
Protein change: p.Gln2108=; no amino-acid change (glutamine 2108 retained).
Molecular consequence: synonymous variant.
Genome position (GRCh38, 1-based): chrX:71,141,286, G>A. VCF-style: chrX-71141286-G-A. GRCh37 (hg19) VCF-style: chrX-70361136-G-A.
Identifiers: ClinVar variation 458832 (VCV000458832.19), dbSNP rs749807888, ClinGen allele CA330985295.
Genomic context (GRCh38, chrX:71,141,286, plus strand): 5'-ATAGCAGCAGCAGCAACAGCAACAGCAGCAGCAGCAGCAGCAGCAACAGCAACAGCAGCA[G>A]CAGCAACAGCAACAACAGCAACACCAGCAGCAACAGCAGCAACAGGCGGCTCCTCCCCAA-3'
Protein context (NP_005111.2, residues 2098-2118): QQQQQQQQQQ[Gln2108=]QQQQQQQHQQ

ClinVar aggregate classification (germline): Likely benign. Review status: criteria provided, multiple submitters, no conflicts (2 of 4 stars). 2 submissions from 2 submitters: Likely benign (2). Last evaluated 2026-01-01.

Conditions:
FG syndrome (FGS). Identifiers: MedGen C0220769, MONDO:0002010.

Allele frequency attached by ClinVar (database versions not stated): gnomAD exomes below 0.00001; 1000 Genomes Project 0.00132.
gnomAD v4.1: 1 of 1,160,764 alleles (0.000086%); highest among the groups gnomAD compares: Middle Eastern, 0.024%; no homozygotes.

Submissions (2):

CeGaT Center for Human Genetics Tuebingen
Classification: Likely benign. Last evaluated: 2026-01-01. Review status: criteria provided, single submitter. Criteria: CeGaT Center For Human Genetics Tuebingen Variant Classification Criteria Version 2. Collection method: clinical testing. Allele origin: germline. Affected: yes. Observed: 2 variant alleles.
Comment: MED12: BP4, BP7

Labcorp Genetics (formerly Invitae), Labcorp
Classification: Likely benign for FG syndrome. Last evaluated: 2025-09-15. Review status: criteria provided, single submitter. Criteria: Invitae Variant Classification Sherloc (09022015). Collection method: clinical testing. Allele origin: germline.